The following is an entry in ClinVar:

NM_000548.5(TSC2):c.3883+37C>T

Gene: TSC2 (TSC complex subunit 2; plus strand). Cytogenetic location: 16p13.3.
Variant type: single nucleotide variant.
Coding change: c.3883+37C>T on transcript NM_000548.5 (MANE Select); 37 bases into the intron after coding-DNA position 3883, C replaced by T.
Molecular consequence: intron variant.
Genome position (GRCh38, 1-based): chr16:2,082,541, C>T. VCF-style: chr16-2082541-C-T. GRCh37 (hg19) VCF-style: chr16-2132542-C-T.
Other names: c.3814+743C>T (NM_001114382.3); c.3754+37C>T (NM_021055.3, NM_001370405.1); c.3685+743C>T (NM_001363528.2); c.3751+37C>T (NM_001370404.1); c.3682+743C>T (NM_001077183.3); c.3574+743C>T (NM_001318827.2); c.3151+37C>T (NM_001318831.2); c.3538+743C>T (NM_001318829.2); and 1 more.
Identifiers: ClinVar variation 49512 (VCV000049512.26), dbSNP rs45517315, ClinGen allele CA019608.

ClinVar aggregate classification (germline): Benign. Review status: criteria provided, single submitter (1 of 4 stars). 2 submissions from 2 submitters: Benign (1). 1 of the submissions does not count toward it. Last evaluated 2022-03-01.

Conditions:
Tuberous sclerosis syndrome (TSC). Also called: Tuberous Sclerosis Complex; Tuberous sclerosis. Identifiers: Orphanet 805, MedGen C0041341, MONDO:0001734.

Allele frequency attached by ClinVar (database versions not stated): TOPMed 0.00016; gnomAD 0.00038 and 0.00040; gnomAD exomes 0.00050; ExAC 0.00057; 1000 Genomes Project 0.00060; ESP Exome Variant Server 0.00008; 1000 Genomes Project 30x 0.00062.
gnomAD v4.1: 524 of 1,598,790 alleles (0.033%); highest among the groups gnomAD compares: East Asian, 0.1%; 2 homozygotes.

Submissions (2):

CeGaT Center for Human Genetics Tuebingen
Classification: Benign. Last evaluated: 2022-03-01. Review status: criteria provided, single submitter. Criteria: CeGaT Center For Human Genetics Tuebingen Variant Classification Criteria Version 2. Collection method: clinical testing. Allele origin: germline. Affected: yes. Observed: 2 variant alleles.
Comment: TSC2: BS1, BS2

Tuberous sclerosis database (TSC2)
No classification provided. Condition: TSC. Review status: no classification provided. Criteria: Tuberous Sclerosis Database Assertion Criteria 2015. Collection method: curation. Allele origin: germline. Affected: yes. Not counted in ClinVar's aggregate classification.